The following is an entry in ClinVar:

ClinVar aggregate classification (germline): Uncertain significance (1 of 4 stars; one submission).

gnomAD v4.1: 7 of 1,614,082 alleles (0.00043%); highest among the groups gnomAD compares: Non-Finnish European, 0.00059%; no homozygotes.

Submission:

GeneDx
Classification: Uncertain significance. Last evaluated: 2024-11-08. Review status: criteria provided, single submitter. Criteria: GeneDx Variant Classification Process June 2021. Collection method: clinical testing. Allele origin: germline. Affected: yes.
Comment: Not observed at significant frequency in large population cohorts (gnomAD); In silico analysis supports that this missense variant has a deleterious effect on protein structure/function; Has not been previously published as pathogenic or benign to our knowledge

NM_001846.4(COL4A2):c.263G>T (p.Gly88Val)

Gene: COL4A2 (collagen type IV alpha 2 chain; plus strand). Cytogenetic location: 13q34.
Variant type: single nucleotide variant.
Coding change: c.263G>T on transcript NM_001846.4 (MANE Select); coding-DNA position 263, G replaced by T.
Protein change: p.Gly88Val; replaces glycine 88 with valine.
Molecular consequence: missense variant.
Genome position (GRCh38, 1-based): chr13:110,424,816, G>T. VCF-style: chr13-110424816-G-T. GRCh37 (hg19) VCF-style: chr13-111077163-G-T.
Other names: short protein forms G88V.
Identifiers: ClinVar variation 3899164 (VCV003899164.1).